The following is an entry in ClinVar:

NM_001267550.2(TTN):c.23578G>A (p.Ala7860Thr)

Gene: TTN (titin; minus strand). Cytogenetic location: 2q31.2.
Variant type: single nucleotide variant.
Coding change: c.23578G>A on transcript NM_001267550.2 (MANE Select); coding-DNA position 23578, G replaced by A.
Protein change: p.Ala7860Thr; replaces alanine 7860 with threonine.
Molecular consequence: missense variant. On other transcripts: intron variant (3).
Genome position (GRCh38, 1-based): chr2:178,720,064, C>T on the plus strand (G>A on the coding strand, the complement: TTN is on the minus strand). VCF-style: chr2-178720064-C-T. GRCh37 (hg19) VCF-style: chr2-179584791-C-T.
Other names: p.A7543T:GCA>ACA; c.22627G>A, p.Ala7543Thr (NM_001256850.1); c.19846G>A, p.Ala6616Thr (NM_133378.4); c.13282+18018G>A (NM_003319.4); c.13858+18018G>A (NM_133437.4); c.13657+18018G>A (NM_133432.3); short protein forms A7543T, A7860T, A6616T.
Identifiers: ClinVar variation 203324 (VCV000203324.10), dbSNP rs138076523, ClinGen allele CA312040.

ClinVar aggregate classification (germline): Conflicting classifications of pathogenicity. Review status: criteria provided, conflicting classifications (1 of 4 stars). 7 submissions from 3 submitters: Uncertain significance (4); Benign (1); Likely benign (2). Last evaluated 2019-03-15.

Conditions:
Dilated cardiomyopathy 1G (CMD1G). Identifiers: Orphanet 154, MedGen C1858763, MONDO:0011400, OMIM 604145.
Autosomal recessive limb-girdle muscular dystrophy type 2J (LGMDR10). Also called: MUSCULAR DYSTROPHY, LIMB-GIRDLE, AUTOSOMAL RECESSIVE 10; Limb-girdle muscular dystrophy, type 2J. Identifiers: Orphanet 140922, MedGen C1837342, MONDO:0012127, OMIM 608807.
Early-onset myopathy with fatal cardiomyopathy (CMYO5). Also called: CONGENITAL MYOPATHY 5 WITH CARDIOMYOPATHY; Salih Myopathy. Identifiers: Orphanet 289377, MedGen C2673677, MONDO:0012714, OMIM 611705. Disease mechanism: loss of function.
Myopathy, myofibrillar, 9, with early respiratory failure (MFM9). Also called: EDSTROM MYOPATHY; MYOPATHY, PROXIMAL, WITH EARLY RESPIRATORY MUSCLE INVOLVEMENT; Myopathy, distal, with early respiratory failure, autosomal dominant; Hereditary myopathy with early respiratory failure. Identifiers: Orphanet 178464, Orphanet 34521, MedGen C1863599, MONDO:0011362, OMIM 603689.
Tibial muscular dystrophy (TMD). Also called: UDD MYOPATHY; Tibial muscular dystrophy, tardive; Udd Distal Myopathy – Tibial Muscular Dystrophy. Identifiers: Orphanet 609, MedGen C1838244, MONDO:0010870, OMIM 600334.

Allele frequency attached by ClinVar (database versions not stated): gnomAD 0.00001 and 0.00005; TOPMed 0.00001; gnomAD exomes 0.00004 and 0.00008; ExAC 0.00006; 1000 Genomes Project 30x 0.00031; 1000 Genomes Project 0.00040.
gnomAD v4.1: 117 of 1,613,630 alleles (0.0073%); highest among the groups gnomAD compares: East Asian, 0.25%; no homozygotes.

Submissions (7):

GeneDx
Classification: Likely benign. Last evaluated: 2019-03-15. Review status: criteria provided, single submitter. Criteria: GeneDx Variant Classification Process June 2021. Collection method: clinical testing. Allele origin: germline. Affected: yes.

Illumina Laboratory Services, Illumina
Classification: Uncertain significance for Dilated cardiomyopathy 1G. Last evaluated: 2018-01-13. Review status: criteria provided, single submitter. Criteria: ICSL Variant Classification Criteria 13 December 2019. Collection method: clinical testing. Allele origin: germline.

Illumina Laboratory Services, Illumina
Classification: Uncertain significance for Autosomal recessive limb-girdle muscular dystrophy type 2J. Last evaluated: 2018-01-13. Review status: criteria provided, single submitter. Criteria: ICSL Variant Classification Criteria 13 December 2019. Collection method: clinical testing. Allele origin: germline.

Illumina Laboratory Services, Illumina
Classification: Benign for Tibial muscular dystrophy. Last evaluated: 2018-01-13. Review status: criteria provided, single submitter. Criteria: ICSL Variant Classification Criteria 13 December 2019. Collection method: clinical testing. Allele origin: germline.
Comment: This variant was observed in the ICSL laboratory as part of a predisposition screen in an ostensibly healthy population. It had not been previously curated by ICSL or reported in the Human Gene Mutation Database (HGMD: prior to June 1st, 2018), and was therefore a candidate for classification through an automated scoring system. Utilizing variant allele frequency, disease prevalence and penetrance estimates, and inheritance mode, an automated score was calculated to assess if this variant is too frequent to cause the disease. Based on the score and internal cut-off values, a variant classified as benign is not then subjected to further curation. The score for this variant resulted in a classification of benign for this disease.

Illumina Laboratory Services, Illumina
Classification: Likely benign for Myopathy, myofibrillar, 9, with early respiratory failure. Last evaluated: 2018-01-13. Review status: criteria provided, single submitter. Criteria: ICSL Variant Classification Criteria 13 December 2019. Collection method: clinical testing. Allele origin: germline.
Comment: This variant was observed in the ICSL laboratory as part of a predisposition screen in an ostensibly healthy population. It had not been previously curated by ICSL or reported in the Human Gene Mutation Database (HGMD: prior to June 1st, 2018), and was therefore a candidate for classification through an automated scoring system. Utilizing variant allele frequency, disease prevalence and penetrance estimates, and inheritance mode, an automated score was calculated to assess if this variant is too frequent to cause the disease. Based on the score and internal cut-off values, a variant classified as likely benign is not then subjected to further curation. The score for this variant resulted in a classification of likely benign for this disease.

Illumina Laboratory Services, Illumina
Classification: Uncertain significance for Early-onset myopathy with fatal cardiomyopathy. Last evaluated: 2018-01-13. Review status: criteria provided, single submitter. Criteria: ICSL Variant Classification Criteria 13 December 2019. Collection method: clinical testing. Allele origin: germline.

Labcorp Genetics (formerly Invitae), Labcorp
Classification: Uncertain significance for Dilated cardiomyopathy 1G; Autosomal recessive limb-girdle muscular dystrophy type 2J. Last evaluated: 2017-12-29. Review status: criteria provided, single submitter. Criteria: Invitae Variant Classification Sherloc (09022015). Collection method: clinical testing. Allele origin: germline.